The following is an entry in ClinVar:

ClinVar aggregate classification (germline): Uncertain significance (1 of 4 stars; one submission).

Submission:

Ambry Genetics
Classification: Uncertain significance. Last evaluated: 2025-03-16. Review status: criteria provided, single submitter. Criteria: Ambry Variant Classification Scheme 2023. Collection method: clinical testing. Allele origin: germline.
Comment: The p.A239S variant (also known as c.715G>T), located in coding exon 6 of the RAD51B gene, results from a G to T substitution at nucleotide position 715. The alanine at codon 239 is replaced by serine, an amino acid with similar properties. This amino acid position is conserved. In addition, this alteration is predicted to be tolerated by in silico analysis. Based on the available evidence, the clinical significance of this variant remains unclear.

NM_133510.4(RAD51B):c.715G>T (p.Ala239Ser)

Gene: RAD51B (RAD51 paralog B; plus strand). Cytogenetic location: 14q24.1.
Variant type: single nucleotide variant.
Coding change: c.715G>T on transcript NM_133510.4 (MANE Select); coding-DNA position 715, G replaced by T.
Protein change: p.Ala239Ser; replaces alanine 239 with serine.
Molecular consequence: missense variant.
Genome position (GRCh38, 1-based): chr14:67,887,163, G>T. VCF-style: chr14-67887163-G-T. GRCh37 (hg19) VCF-style: chr14-68353880-G-T.
Other names: c.715G>T, p.Ala239Ser (NM_001321809.2, NM_001321810.2, NM_001321812.1 and 6 more transcripts); c.601G>T, p.Ala201Ser (NM_001321815.1); c.358G>T, p.Ala120Ser (NM_001321817.2); short protein forms A239S, A120S, A201S.
Identifiers: ClinVar variation 3942265 (VCV003942265.1).